The following is an entry in ClinVar:

NM_004004.6(GJB2):c.401G>A (p.Trp134Ter)

Gene: GJB2 (gap junction protein beta 2; minus strand). Cytogenetic location: 13q12.11.
Variant type: single nucleotide variant.
Coding change: c.401G>A on transcript NM_004004.6 (MANE Select); coding-DNA position 401, G replaced by A.
Protein change: p.Trp134Ter; replaces tryptophan 134 with a stop codon.
Molecular consequence: nonsense.
Genome position (GRCh38, 1-based): chr13:20,189,181, C>T on the plus strand (G>A on the coding strand, the complement: GJB2 is on the minus strand). VCF-style: chr13-20189181-C-T. GRCh37 (hg19) VCF-style: chr13-20763320-C-T.
Other names: short protein forms W134*.
Identifiers: ClinVar variation 4815291 (VCV004815291.1).
Genomic context (GRCh38, chr13:20,189,181, plus strand): 5'-AAGACGTACATGAAGGCGGCTTCGAAGATGACCCGGAAGAAGATGCTGCTTGTGTAGGTC[C>T]ACCACAGGGAGCCTTCGATGCGGACCTTCTGGGTTTTGATCTCCTCGATGTCCTTAAATT-3'

ClinVar aggregate classification (germline): Pathogenic (1 of 4 stars; one submission).

Conditions:
Autosomal recessive nonsyndromic hearing loss 1A (DFNB1A). Also called: GJB6-Related DFNB 1 Nonsyndromic Hearing Loss and Deafness; Deafness, autosomal recessive 1A; GJB2-Related Autosomal Recessive Nonsyndromic Hearing Loss; Nonsyndromic Hearing Loss and Deafness, DFNB1; Connexin 26 deafness; Deafness nonsyndromic, Connexin 26 linked. Identifiers: Orphanet 90636, MedGen C2673759, MONDO:0009076, OMIM 220290.

Submission:

Natera, Inc.
Classification: Pathogenic for Autosomal recessive deafness type 1A. Last evaluated: 2025-02-23. Review status: criteria provided, single submitter. Criteria: Natera Variant Classification Schema (03/2026). Collection method: clinical testing. Allele origin: germline.
Comment: The c.401G>A variant in GJB2 is a nonsense variant predicted to introduce a stop codon at amino acid 134. This variant is expected to result in nonsense mediated decay, truncation, or a dysfunctional protein product. This variant is rare in the general population with a frequency below the threshold expected for the associated phenotype(s). This variant has been observed in one or more individuals affected with the associated recessive disease, as either homozygous or compound heterozygous with a second variant (PMID: 17299707, 24013081). Given the available evidence, this variant is classified as Pathogenic.

Literature cited by the submitters: PubMed 17299707; PubMed 24013081.